The following is an entry in ClinVar:

NM_018191.4(RCBTB1):c.1288A>G (p.Thr430Ala)

Gene: RCBTB1 (RCC1 and BTB domain containing protein 1; minus strand). Cytogenetic location: 13q14.2.
Variant type: single nucleotide variant.
Coding change: c.1288A>G on transcript NM_018191.4 (MANE Select); coding-DNA position 1288, A replaced by G.
Protein change: p.Thr430Ala; replaces threonine 430 with alanine.
Molecular consequence: missense variant. On other transcripts: non-coding transcript variant (2).
Genome position (GRCh38, 1-based): chr13:49,541,712, T>C on the plus strand (A>G on the coding strand, the complement: RCBTB1 is on the minus strand). VCF-style: chr13-49541712-T-C. GRCh37 (hg19) VCF-style: chr13-50115848-T-C.
Other names: c.1288A>G, p.Thr430Ala (NM_001352500.2, NM_001352501.2, NM_001352502.2 and 2 more transcripts); c.709A>G, p.Thr237Ala (NM_001352506.2); short protein forms T237A, T430A.
Identifiers: ClinVar variation 1054686 (VCV001054686.10), dbSNP rs767667678, ClinGen allele CA6982620.

ClinVar aggregate classification (germline): Uncertain significance (1 of 4 stars; one submission).

Allele frequency attached by ClinVar (database versions not stated): gnomAD exomes below 0.00001 and 0.00001; ExAC 0.00001; TOPMed 0.00001.
gnomAD v4.1: 9 of 1,613,968 alleles (0.00056%); highest among the groups gnomAD compares: Non-Finnish European, 0.00076%; no homozygotes.

Submission:

Labcorp Genetics (formerly Invitae), Labcorp
Classification: Uncertain significance. Last evaluated: 2022-02-10. Review status: criteria provided, single submitter. Criteria: Invitae Variant Classification Sherloc (09022015). Collection method: clinical testing. Allele origin: germline.
Comment: This variant is present in population databases (rs767667678, gnomAD 0.002%). This sequence change replaces threonine, which is neutral and polar, with alanine, which is neutral and non-polar, at codon 430 of the RCBTB1 protein (p.Thr430Ala). This variant has not been reported in the literature in individuals affected with RCBTB1-related conditions. In summary, the available evidence is currently insufficient to determine the role of this variant in disease. Therefore, it has been classified as a Variant of Uncertain Significance. Algorithms developed to predict the effect of missense changes on protein structure and function are either unavailable or do not agree on the potential impact of this missense change (SIFT: "Deleterious"; PolyPhen-2: "Probably Damaging"; Align-GVGD: "Class C0"). ClinVar contains an entry for this variant (Variation ID: 1054686).